The following is an entry in ClinVar:

ClinVar aggregate classification (germline): Uncertain significance. Review status: criteria provided, multiple submitters, no conflicts (2 of 4 stars). 3 submissions from 3 submitters: Uncertain significance (3). Last evaluated 2024-02-24.

Conditions:
Microcephaly 5, primary, autosomal recessive (MCPH5). Also called: ASPM Primary Microcephaly. Identifiers: Orphanet 2512, MedGen C1837501, MONDO:0012106, OMIM 608716.

Allele frequency attached by ClinVar (database versions not stated): gnomAD 0.00001; TOPMed 0.00001; ExAC 0.00002; gnomAD exomes 0.00002.
gnomAD v4.1: 23 of 1,614,042 alleles (0.0014%); highest among the groups gnomAD compares: Non-Finnish European, 0.0019%; no homozygotes.

Submissions (3):

Labcorp Genetics (formerly Invitae), Labcorp
Classification: Uncertain significance. Last evaluated: 2024-02-24. Review status: criteria provided, single submitter. Criteria: Invitae Variant Classification Sherloc (09022015). Collection method: clinical testing. Allele origin: germline.
Comment: This sequence change replaces leucine, which is neutral and non-polar, with methionine, which is neutral and non-polar, at codon 65 of the ASPM protein (p.Leu65Met). This variant is present in population databases (rs780727023, gnomAD 0.004%). This variant has not been reported in the literature in individuals affected with ASPM-related conditions. ClinVar contains an entry for this variant (Variation ID: 294657). Advanced modeling of protein sequence and biophysical properties (such as structural, functional, and spatial information, amino acid conservation, physicochemical variation, residue mobility, and thermodynamic stability) has been performed at Invitae for this missense variant, however the output from this modeling did not meet the statistical confidence thresholds required to predict the impact of this variant on ASPM protein function. In summary, the available evidence is currently insufficient to determine the role of this variant in disease. Therefore, it has been classified as a Variant of Uncertain Significance.

Genome-Nilou Lab
Classification: Uncertain significance for Microcephaly 5, primary, autosomal recessive. Last evaluated: 2023-04-11. Review status: criteria provided, single submitter. Criteria: ACMG Guidelines, 2015. Collection method: clinical testing. Allele origin: germline. Affected: no.

Illumina Laboratory Services, Illumina
Classification: Uncertain significance for Microcephaly 5, primary, autosomal recessive. Last evaluated: 2018-01-13. Review status: criteria provided, single submitter. Criteria: ICSL Variant Classification Criteria 13 December 2019. Collection method: clinical testing. Allele origin: germline.

NM_018136.5(ASPM):c.193C>A (p.Leu65Met)

Genes: ASPM (assembly factor for spindle microtubules; minus strand), LOC129932155 (ATAC-STARR-seq lymphoblastoid silent region 1659; plus strand). Cytogenetic location: 1q31.3.
Variant type: single nucleotide variant.
Coding change: c.193C>A on transcript NM_018136.5 (MANE Select); coding-DNA position 193, C replaced by A.
Protein change: p.Leu65Met; replaces leucine 65 with methionine.
Molecular consequence: missense variant.
Genome position (GRCh38, 1-based): chr1:197,146,245, G>T on the plus strand (C>A on the coding strand, the complement: ASPM is on the minus strand). VCF-style: chr1-197146245-G-T. GRCh37 (hg19) VCF-style: chr1-197115375-G-T.
Other names: c.193C>A, p.Leu65Met (NM_001206846.2); short protein forms L65M.
Identifiers: ClinVar variation 294657 (VCV000294657.11), dbSNP rs780727023, ClinGen allele CA1310947.